The following is an entry in ClinVar:

NM_024675.4(PALB2):c.1528A>G (p.Arg510Gly)

Gene: PALB2 (partner and localizer of BRCA2; minus strand). Cytogenetic location: 16p12.2.
Variant type: single nucleotide variant.
Coding change: c.1528A>G on transcript NM_024675.4 (MANE Select); coding-DNA position 1528, A replaced by G.
Protein change: p.Arg510Gly; replaces arginine 510 with glycine.
Molecular consequence: missense variant.
Genome position (GRCh38, 1-based): chr16:23,635,018, T>C on the plus strand (A>G on the coding strand, the complement: PALB2 is on the minus strand). VCF-style: chr16-23635018-T-C. GRCh37 (hg19) VCF-style: chr16-23646339-T-C.
Other names: short protein forms R510G.
Identifiers: ClinVar variation 658736 (VCV000658736.13), dbSNP rs1597095753, ClinGen allele CA395130946.

ClinVar aggregate classification (germline): Uncertain significance. Review status: criteria provided, multiple submitters, no conflicts (2 of 4 stars). 3 submissions from 3 submitters: Uncertain significance (3). Last evaluated 2025-07-08.

Conditions:
Hereditary cancer-predisposing syndrome. Also called: Hereditary neoplastic syndrome; Neoplastic Syndromes, Hereditary; Hereditary Cancer Syndrome; Tumor predisposition. Identifiers: Orphanet 140162, MedGen C0027672, MeSH D009386, MONDO:0015356.
Familial cancer of breast. Also called: Hereditary breast cancer; hereditary breast carcinoma; BREAST CANCER, FAMILIAL. Identifiers: Orphanet 227535, MedGen C0346153, MONDO:0016419, OMIM 114480. Disease mechanism: loss of function.

Submissions (3):

Labcorp Genetics (formerly Invitae), Labcorp
Classification: Uncertain significance for Familial cancer of breast. Last evaluated: 2025-07-08. Review status: criteria provided, single submitter. Criteria: Invitae Variant Classification Sherloc (09022015). Collection method: clinical testing. Allele origin: germline.
Comment: This sequence change replaces arginine, which is basic and polar, with glycine, which is neutral and non-polar, at codon 510 of the PALB2 protein (p.Arg510Gly). This variant is not present in population databases (gnomAD no frequency). This variant has not been reported in the literature in individuals affected with PALB2-related conditions. ClinVar contains an entry for this variant (Variation ID: 658736). Invitae Evidence Modeling of protein sequence and biophysical properties (such as structural, functional, and spatial information, amino acid conservation, physicochemical variation, residue mobility, and thermodynamic stability) indicates that this missense variant is not expected to disrupt PALB2 protein function with a negative predictive value of 80%. In summary, the available evidence is currently insufficient to determine the role of this variant in disease. Therefore, it has been classified as a Variant of Uncertain Significance.

Ambry Genetics
Classification: Uncertain significance for Hereditary cancer-predisposing syndrome. Last evaluated: 2025-03-05. Review status: criteria provided, single submitter. Criteria: Ambry Variant Classification Scheme 2023. Collection method: clinical testing. Allele origin: germline.
Comment: The p.R510G variant (also known as c.1528A>G), located in coding exon 4 of the PALB2 gene, results from an A to G substitution at nucleotide position 1528. The arginine at codon 510 is replaced by glycine, an amino acid with dissimilar properties. This amino acid position is well conserved in available vertebrate species. In addition, this alteration is predicted to be tolerated by in silico analysis. Since supporting evidence is limited at this time, the clinical significance of this alteration remains unclear.

Color Diagnostics, LLC DBA Color Health
Classification: Uncertain significance for Hereditary cancer-predisposing syndrome. Last evaluated: 2021-08-03. Review status: criteria provided, single submitter. Criteria: ACMG Guidelines, 2015. Collection method: clinical testing. Allele origin: germline.
Comment: This missense variant replaces arginine with glycine at codon 510 of the PALB2 protein. Computational prediction suggests that this variant may not impact protein structure and function (internally defined REVEL score threshold <= 0.5, PMID: 27666373). To our knowledge, functional studies have not been reported for this variant. This variant has not been reported in individuals affected with hereditary cancer in the literature. This variant has not been identified in the general population by the Genome Aggregation Database (gnomAD). The available evidence is insufficient to determine the role of this variant in disease conclusively. Therefore, this variant is classified as a Variant of Uncertain Significance.